The following is an entry in ClinVar:

NM_024652.6(LRRK1):c.5971dup (p.Ala1991fs)

Genes: LRRK1 (leucine rich repeat kinase 1; plus strand), LRRK1-AS1 (LRRK1 antisense RNA 1; minus strand). Cytogenetic location: 15q26.3.
Variant type: Duplication.
Coding change: c.5971dup on transcript NM_024652.6 (MANE Select); coding-DNA position 5971, one base duplicated (G; older notation c.5971dupG).
Protein change: p.Ala1991fs; shifts the reading frame from alanine 1991.
Molecular consequence: frameshift variant.
Genome position (GRCh38, 1-based): chr15:101,068,771, G duplicated. VCF-style (leftmost placement, unchanged base first): chr15-101068770-C-CG. GRCh37 (hg19) VCF-style: chr15-101608975-C-CG.
Other names: c.5971dupG (NM_024652.6); short protein forms A1991fs.
Identifiers: ClinVar variation 1327992 (VCV001327992.4), dbSNP rs2141168796, ClinGen allele CA2573053966.

ClinVar aggregate classification (germline): Pathogenic. Review status: criteria provided, multiple submitters, no conflicts (2 of 4 stars). 3 submissions from 3 submitters: Pathogenic (2). 1 of the submissions does not count toward it.

Conditions:
Osteosclerotic metaphyseal dysplasia (OSMD). Identifiers: Orphanet 500548, MedGen C3554665, MONDO:0014080, OMIM 615198.

Submissions (3):

Kasturba Medical College, Manipal, Kasturba Medical College, Manipal, Manipal Academy of Higher Education, Manipal, India
Classification: Pathogenic for Osteosclerotic metaphyseal dysplasia. Review status: criteria provided, single submitter. Criteria: ACMG Guidelines, 2015. Collection method: clinical testing. Allele origin: inherited. Inheritance: Autosomal recessive inheritance. Affected: yes.

Suma Genomics
Classification: Pathogenic for Osteosclerotic metaphyseal dysplasia. Review status: criteria provided, single submitter. Criteria: ACMG Guidelines, 2015. Collection method: clinical testing. Allele origin: germline. Inheritance: Autosomal recessive inheritance. Affected: yes. Observed: 1 homozygote.
Comment: This variant is not observed in the gnomAD database. Biallelic loss-of-function variants in LRRK1 are associated with Osteosclerotic metaphyseal dysplasia (MIM# 615198). ACMG Classification: Pathogenic Criteria met: PVS1: Null variant in a gene where loss of function is a known mechanism of disease PM2_Supporting: Extremely low frequency in gnomAD population databases PP1_Moderate: Co-segregation

OMIM
Classification: Pathogenic for OSTEOSCLEROTIC METAPHYSEAL DYSPLASIA. Last evaluated: 2021-12-14. Review status: no assertion criteria provided. Collection method: literature only. Allele origin: germline. Not counted in ClinVar's aggregate classification.

Literature cited by the submitters: PubMed 27829680 (cited by Kasturba Medical College, Manipal, Kasturba Medical College, Manipal, Manipal Academy of Higher Education, Manipal, India and OMIM).